The following is an entry in ClinVar:

ClinVar aggregate classification (germline): Likely benign (1 of 4 stars; one submission).

Conditions:
Papillary renal cell carcinoma type 1 (RCCP1). Also called: Renal adenocarcinoma; Renal cell carcinoma 1; Renal cell carcinoma, somatic; RENAL CELL CARCINOMA, PAPILLARY, 1, SOMATIC. Identifiers: Orphanet 47044, MedGen C1336839, OMIM 605074, HP:0011797.

Submission:

Myriad Genetics, Inc.
Classification: Likely benign for Papillary renal cell carcinoma type 1. Last evaluated: 2024-11-14. Review status: criteria provided, single submitter. Criteria: Myriad Autosomal Dominant, Autosomal Recessive and X-Linked Classification Criteria (2023). Collection method: clinical testing. Allele origin: unknown.
Comment: This variant is considered likely benign. This variant is intronic and is not expected to impact mRNA splicing.

NM_000245.4(MET):c.3798+8A>G

Gene: MET (MET proto-oncogene, receptor tyrosine kinase; plus strand). Cytogenetic location: 7q31.2.
Variant type: single nucleotide variant.
Coding change: c.3798+8A>G on transcript NM_000245.4 (MANE Select); 8 bases into the intron after coding-DNA position 3798, A replaced by G.
Molecular consequence: intron variant.
Genome position (GRCh38, 1-based): chr7:116,783,477, A>G. VCF-style: chr7-116783477-A-G. GRCh37 (hg19) VCF-style: chr7-116423531-A-G.
Other names: c.3852+8A>G (NM_001127500.3); c.2508+8A>G (NM_001324402.2).
Identifiers: ClinVar variation 3773289 (VCV003773289.1).